The following is an entry in ClinVar:

NM_002894.3(RBBP8):c.2146G>A (p.Glu716Lys)

Gene: RBBP8 (RB binding protein 8, endonuclease; plus strand). Cytogenetic location: 18q11.2.
Variant type: single nucleotide variant.
Coding change: c.2146G>A on transcript NM_002894.3 (MANE Select); coding-DNA position 2146, G replaced by A.
Protein change: p.Glu716Lys; replaces glutamic acid 716 with lysine.
Molecular consequence: missense variant.
Genome position (GRCh38, 1-based): chr18:23,001,588, G>A. VCF-style: chr18-23001588-G-A. GRCh37 (hg19) VCF-style: chr18-20581551-G-A.
Other names: c.2146G>A, p.Glu716Lys (NM_203291.2, NM_203292.2); short protein forms E716K.
Identifiers: ClinVar variation 1033552 (VCV001033552.9), dbSNP rs148713374, ClinGen allele CA8910268.

ClinVar aggregate classification (germline): Uncertain significance. Review status: criteria provided, multiple submitters, no conflicts (2 of 4 stars). 5 submissions from 5 submitters: Uncertain significance (5). Last evaluated 2025-11-26.

Conditions:
Jawad syndrome (JWDS). Also called: KELLY SYNDROME; MICROCEPHALY WITH IMPAIRED INTELLECTUAL DEVELOPMENT AND DIGITAL ANOMALIES. Identifiers: Orphanet 313795, MedGen C0796063, MONDO:0009622, OMIM 251255.
Seckel syndrome 2 (SCKL2). Also called: MICROCEPHALIC PRIMORDIAL DWARFISM 2; SECKEL-TYPE DWARFISM 2. Identifiers: Orphanet 808, MedGen C1847572, MONDO:0011715, OMIM 606744.

Allele frequency attached by ClinVar (database versions not stated): gnomAD exomes 0.00012; gnomAD 0.00064 and 0.00072; ExAC 0.00018; ESP Exome Variant Server 0.00046; 1000 Genomes Project 30x 0.00047; 1000 Genomes Project 0.00060; TOPMed 0.00077.
gnomAD v4.1: 254 of 1,614,078 alleles (0.016%); highest among the groups gnomAD compares: African/African-American, 0.22%; 1 homozygote.

Submissions (5):

Women's Health and Genetics/Laboratory Corporation of America, LabCorp
Classification: Uncertain significance. Last evaluated: 2025-11-26. Review status: criteria provided, single submitter. Criteria: LabCorp Variant Classification Summary - May 2015. Collection method: clinical testing. Allele origin: germline.
Comment: Variant summary: RBBP8 c.2146G>A (p.Glu716Lys) results in a conservative amino acid change in the encoded protein sequence. Algorithms developed to predict the effect of missense changes on protein structure and function all suggest that this variant is likely to be tolerated. Consensus agreement among computation tools predict no significant impact on normal splicing. However, these predictions have yet to be confirmed by functional studies. The variant allele was found at a frequency of 0.00012 in 251134 control chromosomes. This frequency is not significantly higher than estimated for disease-causing variants in RBBP8, allowing no conclusion about variant significance. To our knowledge, no occurrence of c.2146G>A in individuals affected with RBBP8-related conditions and no experimental evidence demonstrating its impact on protein function have been reported. ClinVar contains an entry for this variant (Variation ID: 1033552). Based on the evidence outlined above, the variant was classified as uncertain significance.

Labcorp Genetics (formerly Invitae), Labcorp
Classification: Uncertain significance. Last evaluated: 2022-09-27. Review status: criteria provided, single submitter. Criteria: Invitae Variant Classification Sherloc (09022015). Collection method: clinical testing. Allele origin: germline.
Comment: This sequence change replaces glutamic acid, which is acidic and polar, with lysine, which is basic and polar, at codon 716 of the RBBP8 protein (p.Glu716Lys). This variant is present in population databases (rs148713374, gnomAD 0.2%). This variant has not been reported in the literature in individuals affected with RBBP8-related conditions. ClinVar contains an entry for this variant (Variation ID: 1033552). Algorithms developed to predict the effect of missense changes on protein structure and function (SIFT, PolyPhen-2, Align-GVGD) all suggest that this variant is likely to be tolerated. In summary, the available evidence is currently insufficient to determine the role of this variant in disease. Therefore, it has been classified as a Variant of Uncertain Significance.

Fulgent Genetics
Classification: Uncertain significance for Jawad syndrome; Seckel syndrome 2. Last evaluated: 2022-03-28. Review status: criteria provided, single submitter. Criteria: ACMG Guidelines, 2015. Collection method: clinical testing. Allele origin: unknown.

Genetic Services Laboratory, University of Chicago
Classification: Uncertain significance. Last evaluated: 2019-02-26. Review status: criteria provided, single submitter. Criteria: ACMG Guidelines, 2015. Collection method: clinical testing. Allele origin: germline. Affected: no.

Baylor Genetics
Classification: Uncertain significance for Jawad syndrome. Last evaluated: 2018-05-10. Review status: criteria provided, single submitter. Criteria: ACMG Guidelines, 2015. Collection method: clinical testing. Allele origin: paternal. Affected: yes.
Comment: This variant was determined to be of uncertain significance according to ACMG Guidelines, 2015 [PMID:25741868].